The following is an entry in ClinVar:

ClinVar aggregate classification (germline): Likely pathogenic. Review status: criteria provided, multiple submitters, no conflicts (2 of 4 stars). 2 submissions from 2 submitters: Likely pathogenic (2). Last evaluated 2024-11-03.

Conditions:
Autosomal dominant nonsyndromic hearing loss 13. Identifiers: Orphanet 90635, MedGen C1866095, MONDO:0011159, OMIM 601868.

gnomAD v4.1: 1 of 1,612,068 alleles (0.000062%); highest among the groups gnomAD compares: East Asian, 0.0022%; no homozygotes.

Submissions (2):

Labcorp Genetics (formerly Invitae), Labcorp
Classification: Likely pathogenic. Last evaluated: 2024-11-03. Review status: criteria provided, single submitter. Criteria: Invitae Variant Classification Sherloc (09022015). Collection method: clinical testing. Allele origin: germline.
Comment: This sequence change affects an acceptor splice site in intron 20 of the COL11A2 gene. It is expected to disrupt RNA splicing. Variants that disrupt the donor or acceptor splice site typically lead to a loss of protein function (PMID: 16199547), and loss-of-function variants in COL11A2 are known to be pathogenic (PMID: 10677296, 21204229). This variant is not present in population databases (gnomAD no frequency). This variant has not been reported in the literature in individuals affected with COL11A2-related conditions. Algorithms developed to predict the effect of sequence changes on RNA splicing suggest that this variant may disrupt the consensus splice site. In summary, the currently available evidence indicates that the variant is pathogenic, but additional data are needed to prove that conclusively. Therefore, this variant has been classified as Likely Pathogenic.

Institute of Human Genetics, University of Goettingen
Classification: Likely pathogenic for Autosomal dominant nonsyndromic hearing loss 13. Last evaluated: 2024-10-29. Review status: criteria provided, single submitter. Criteria: ACMG Guidelines, 2015. Collection method: clinical testing. Allele origin: unknown. Inheritance: Autosomal dominant inheritance. Affected: yes. Observed: 1 heterozygote.
Comment: The variant c.1819-2A>G (p.?) in exon 20 of the COL11A2-gene is not found in the gnomAD database and it affects a highly conserved nucleotide. The variant may have an impact on COL11A2-RNA splicing, based on the prediction of the in silico splicing prediction programmes. ACMG criteria used for classification: PVS1, PM2_sup.

Literature cited by the submitters: PubMed 16199547 (cited by Labcorp Genetics (formerly Invitae), Labcorp); PubMed 10677296 (cited by Labcorp Genetics (formerly Invitae), Labcorp); PubMed 21204229 (cited by Labcorp Genetics (formerly Invitae), Labcorp).

NM_080680.3(COL11A2):c.1819-2A>G

Gene: COL11A2 (collagen type XI alpha 2 chain; minus strand). Cytogenetic location: 6p21.32.
Variant type: single nucleotide variant.
Coding change: c.1819-2A>G on transcript NM_080680.3 (MANE Select); the canonical splice acceptor site of the intron before coding-DNA position 1819, A replaced by G.
Molecular consequence: splice acceptor variant.
Genome position (GRCh38, 1-based): chr6:33,178,187, T>C on the plus strand (A>G on the coding strand, the complement: COL11A2 is on the minus strand). VCF-style: chr6-33178187-T-C. GRCh37 (hg19) VCF-style: chr6-33145964-T-C.
Other names: c.793-2A>G (NM_001424111.1, NM_001424110.1); c.1498-2A>G (NM_080679.3); c.1561-2A>G (NM_080681.3); c.1639-2A>G (NM_001424108.1); c.973-2A>G (NM_001424109.1).
Identifiers: ClinVar variation 3662018 (VCV003662018.2).